The following is an entry in ClinVar:

ClinVar aggregate classification (germline): Uncertain significance (1 of 4 stars; one submission).

Submission:

Labcorp Genetics (formerly Invitae), Labcorp
Classification: Uncertain significance. Last evaluated: 2026-01-30. Review status: criteria provided, single submitter. Criteria: Invitae Variant Classification Sherloc (09022015). Collection method: clinical testing. Allele origin: germline.
Comment: This sequence change replaces arginine, which is basic and polar, with serine, which is neutral and polar, at codon 326 of the ACAN protein (p.Arg326Ser). This variant is not present in population databases (gnomAD no frequency). This variant has not been reported in the literature in individuals affected with ACAN-related conditions. Invitae Evidence Modeling of protein sequence and biophysical properties (such as structural, functional, and spatial information, amino acid conservation, physicochemical variation, residue mobility, and thermodynamic stability) indicates that this missense variant is not expected to disrupt ACAN protein function with a negative predictive value of 80%. In summary, the available evidence is currently insufficient to determine the role of this variant in disease. Therefore, it has been classified as a Variant of Uncertain Significance.

NM_001369268.1(ACAN):c.978G>T (p.Arg326Ser)

Gene: ACAN (aggrecan; plus strand). Cytogenetic location: 15q26.1.
Variant type: single nucleotide variant.
Coding change: c.978G>T on transcript NM_001369268.1 (MANE Select); coding-DNA position 978, G replaced by T.
Protein change: p.Arg326Ser; replaces arginine 326 with serine.
Molecular consequence: missense variant.
Genome position (GRCh38, 1-based): chr15:88,843,575, G>T. VCF-style: chr15-88843575-G-T. GRCh37 (hg19) VCF-style: chr15-89386806-G-T.
Other names: c.978G>T, p.Arg326Ser (NM_001135.4, NM_001411096.1, NM_001411097.1 and 1 more transcripts); short protein forms R326S.
Identifiers: ClinVar variation 4736728 (VCV004736728.1).
Genomic context (GRCh38, chr15:88,843,575, plus strand): 5'-CGTGCGCTACCCCATCTCCAAGGCCCGGCCCAACTGCGGTGGCAACCTCCTGGGCGTGAG[G>T]ACCGTCTACGTGCATGCCAACCAGACGGGCTACCCCGACCCCTCATCCCGCTACGACGCC-3'
Protein context (NP_001356197.1, residues 316-336): PNCGGNLLGV[Arg326Ser]TVYVHANQTG